The following is an entry in ClinVar:

ClinVar aggregate classification (germline): Likely benign. Review status: criteria provided, multiple submitters, no conflicts (2 of 4 stars). 3 submissions from 3 submitters: Likely benign (3). Last evaluated 2025-12-31.

Conditions:
Glycogen storage disease, type II (IOPD). Also called: Glucosidase acid-1,4-alpha deficiency; Pompe Disease; POMPE DISEASE, INFANTILE-ONSET; GLYCOGEN STORAGE DISEASE II, INFANTILE-ONSET; ACID ALPHA-GLUCOSIDASE DEFICIENCY, INFANTILE-ONSET; GAA DEFICIENCY, INFANTILE-ONSET. Identifiers: Orphanet 365, MedGen C0017921, MONDO:0009290, OMIM 232300.

Allele frequency attached by ClinVar (database versions not stated): gnomAD 0.00001 and 0.00002; TOPMed 0.00004.
gnomAD v4.1: 18 of 1,584,146 alleles (0.0011%); highest among the groups gnomAD compares: Admixed American, 0.032%; no homozygotes.

Submissions (3):

Labcorp Genetics (formerly Invitae), Labcorp
Classification: Likely benign for Glycogen storage disease, type II. Last evaluated: 2025-12-31. Review status: criteria provided, single submitter. Criteria: Invitae Variant Classification Sherloc (09022015). Collection method: clinical testing. Allele origin: germline.

ARUP Laboratories, Molecular Genetics and Genomics, ARUP Laboratories
Classification: Likely benign for Glycogen storage disease, type II. Last evaluated: 2025-02-28. Review status: criteria provided, single submitter. Criteria: ARUP Molecular Germline Variant Investigation Process 2024. Collection method: clinical testing. Allele origin: germline.

GeneDx
Classification: Likely benign. Last evaluated: 2016-02-19. Review status: criteria provided, single submitter. Criteria: GeneDx Variant Classification (06012015). Collection method: clinical testing. Allele origin: germline. Affected: yes.
Comment: This variant is considered likely benign or benign based on one or more of the following criteria: it is a conservative change, it occurs at a poorly conserved position in the protein, it is predicted to be benign by multiple in silico algorithms, and/or has population frequency not consistent with disease.

NM_000152.5(GAA):c.2041-17C>T

Gene: GAA (alpha glucosidase; plus strand). Cytogenetic location: 17q25.3.
Variant type: single nucleotide variant.
Coding change: c.2041-17C>T on transcript NM_000152.5 (MANE Select); 17 bases into the intron before coding-DNA position 2041, C replaced by T.
Molecular consequence: intron variant.
Genome position (GRCh38, 1-based): chr17:80,113,201, C>T. VCF-style: chr17-80113201-C-T. GRCh37 (hg19) VCF-style: chr17-78087000-C-T.
Other names: c.2041-17C>T (NM_001079803.3, NM_001079804.3, LRG_673t1).
Identifiers: ClinVar variation 383030 (VCV000383030.12), dbSNP rs746028622, ClinGen allele CA8815594.